The following is an entry in ClinVar:

NM_001164508.2(NEB):c.24788G>A (p.Arg8263Gln)

Genes: NEB (nebulin; minus strand), RIF1 (replication timing regulatory factor 1; plus strand). Cytogenetic location: 2q23.3.
Variant type: single nucleotide variant.
Coding change: c.24788G>A on transcript NM_001164508.2 (MANE Select); coding-DNA position 24788, G replaced by A.
Protein change: p.Arg8263Gln; replaces arginine 8263 with glutamine.
Molecular consequence: missense variant.
Genome position (GRCh38, 1-based): chr2:151,492,472, C>T on the plus strand (G>A on the coding strand, the complement: NEB is on the minus strand). VCF-style: chr2-151492472-C-T. GRCh37 (hg19) VCF-style: chr2-152348986-C-T.
Other names: c.24788G>A, p.Arg8263Gln (NM_001164507.2); c.24893G>A, p.Arg8298Gln (NM_001271208.2); c.19220G>A, p.Arg6407Gln (NM_004543.5); short protein forms R6407Q, R8298Q, R8263Q.
Identifiers: ClinVar variation 1031199 (VCV001031199.3), dbSNP rs745615279, ClinGen allele CA57662314.

ClinVar aggregate classification (germline): Uncertain significance. Review status: criteria provided, multiple submitters, no conflicts (2 of 4 stars). 2 submissions from 2 submitters: Uncertain significance (2). Last evaluated 2022-06-12.

Conditions:
Nemaline myopathy 2 (NEM2). Also called: Nemaline myopathy 2, autosomal recessive. Identifiers: MedGen C1850569, MONDO:0009725, OMIM 256030.

Allele frequency attached by ClinVar (database versions not stated): gnomAD exomes below 0.00001 and 0.00001.
gnomAD v4.1: 11 of 1,612,990 alleles (0.00068%); highest among the groups gnomAD compares: South Asian, 0.0011%; no homozygotes.

Submissions (2):

Labcorp Genetics (formerly Invitae), Labcorp
Classification: Uncertain significance for Nemaline myopathy 2. Last evaluated: 2022-06-12. Review status: criteria provided, single submitter. Criteria: Invitae Variant Classification Sherloc (09022015). Collection method: clinical testing. Allele origin: germline.
Comment: This sequence change replaces arginine, which is basic and polar, with glutamine, which is neutral and polar, at codon 8298 of the NEB protein (p.Arg8298Gln). The frequency data for this variant in the population databases is considered unreliable, as metrics indicate poor data quality at this position in the gnomAD database. This variant has not been reported in the literature in individuals affected with NEB-related conditions. ClinVar contains an entry for this variant (Variation ID: 1031199). Algorithms developed to predict the effect of missense changes on protein structure and function are either unavailable or do not agree on the potential impact of this missense change (SIFT: "Deleterious"; PolyPhen-2: "Not Available"; Align-GVGD: "Class C0"). Algorithms developed to predict the effect of sequence changes on RNA splicing suggest that this variant may disrupt the consensus splice site. In summary, the available evidence is currently insufficient to determine the role of this variant in disease. Therefore, it has been classified as a Variant of Uncertain Significance.

Baylor Genetics
Classification: Uncertain significance for Nemaline myopathy 2. Last evaluated: 2019-07-24. Review status: criteria provided, single submitter. Criteria: ACMG Guidelines, 2015. Collection method: clinical testing. Allele origin: unknown. Affected: yes.
Comment: This variant was determined to be of uncertain significance according to ACMG Guidelines, 2015 [PMID:25741868].